The following is an entry in ClinVar:

NM_006379.5(SEMA3C):c.1859G>A (p.Arg620Gln)

Gene: SEMA3C (semaphorin 3C; minus strand). Cytogenetic location: 7q21.11.
Variant type: single nucleotide variant.
Coding change: c.1859G>A on transcript NM_006379.5 (MANE Select); coding-DNA position 1859, G replaced by A.
Protein change: p.Arg620Gln; replaces arginine 620 with glutamine.
Molecular consequence: missense variant.
Genome position (GRCh38, 1-based): chr7:80,745,291, C>T on the plus strand (G>A on the coding strand, the complement: SEMA3C is on the minus strand). VCF-style: chr7-80745291-C-T. GRCh37 (hg19) VCF-style: chr7-80374607-C-T.
Other names: c.1913G>A, p.Arg638Gln (NM_001350120.2); c.1685G>A, p.Arg562Gln (NM_001350121.2); short protein forms R638Q, R562Q, R620Q.
Identifiers: ClinVar variation 4990178 (VCV004990178.1).
Genomic context (GRCh38, chr7:80,745,291, plus strand): 5'-AGTCCTTGGTCAGAACCCTGAACAGAGCGGATCAGGAGTCCCTGTGAAGTGGCTATTATT[C>T]GTTCATTCAGCTTAACCTAAAAGAGAGACAAATTAAAGTTACTGAAACTGAACATTATAT-3'
Protein context (NP_006370.1, residues 610-630): DRRKEVKLNE[Arg620Gln]IIATSQGLLI

ClinVar aggregate classification (germline): Uncertain significance (1 of 4 stars; one submission).

Conditions:
SEMA3C-related disorder. Also called: SEMA3C-related condition.

gnomAD v4.1: 32 of 1,613,306 alleles (0.002%); highest among the groups gnomAD compares: African/African-American, 0.004%; no homozygotes.

Submission:

PreventionGenetics, part of Exact Sciences
Classification: Uncertain significance for SEMA3C-related condition. Last evaluated: 2026-07-31. Review status: criteria provided, single submitter. Criteria: ACMG Guidelines, 2015. Collection method: clinical testing. Allele origin: germline.
Comment: The SEMA3C c.1913G>A variant is predicted to result in the amino acid substitution p.Arg638Gln. To our knowledge, this variant has not been reported in the literature. This variant is reported in 0.0062% of alleles in individuals of African descent in gnomAD. At this time, the clinical significance of this variant is uncertain due to the absence of conclusive functional and genetic evidence.